The following is an entry in ClinVar:

ClinVar aggregate classification (germline): Uncertain significance (1 of 4 stars; one submission).

Conditions:
Cardiovascular phenotype. Identifiers: MedGen CN230736.

gnomAD v4.1: 31 of 1,613,928 alleles (0.0019%); highest among the groups gnomAD compares: Non-Finnish European, 0.0026%; no homozygotes.

Submission:

Ambry Genetics
Classification: Uncertain significance for Cardiovascular phenotype. Last evaluated: 2025-01-28. Review status: criteria provided, single submitter. Criteria: Ambry Variant Classification Scheme 2023. Collection method: clinical testing. Allele origin: germline.
Comment: The p.Q1970R variant (also known as c.5909A>G), located in coding exon 24 of the AKAP9 gene, results from an A to G substitution at nucleotide position 5909. The glutamine at codon 1970 is replaced by arginine, an amino acid with highly similar properties. This amino acid position is conserved. In addition, this alteration is predicted to be tolerated by in silico analysis. Based on the available evidence, the clinical significance of this variant remains unclear.

NM_005751.5(AKAP9):c.5909A>G (p.Gln1970Arg)

Gene: AKAP9 (A-kinase anchoring protein 9; plus strand). Cytogenetic location: 7q21.2.
Variant type: single nucleotide variant.
Coding change: c.5909A>G on transcript NM_005751.5 (MANE Select); coding-DNA position 5909, A replaced by G.
Protein change: p.Gln1970Arg; replaces glutamine 1970 with arginine.
Molecular consequence: missense variant.
Genome position (GRCh38, 1-based): chr7:92,062,418, A>G. VCF-style: chr7-92062418-A-G. GRCh37 (hg19) VCF-style: chr7-91691732-A-G.
Other names: c.554A>G, p.Gln185Arg (NM_001379277.1); c.5909A>G, p.Gln1970Arg (NM_147185.3); short protein forms Q185R, Q1970R.
Identifiers: ClinVar variation 3849524 (VCV003849524.1).